The following is an entry in ClinVar:

NM_177924.5(ASAH1):c.1064A>G (p.Tyr355Cys)

Gene: ASAH1 (N-acylsphingosine amidohydrolase 1; minus strand). Cytogenetic location: 8p22.
Variant type: single nucleotide variant.
Coding change: c.1064A>G on transcript NM_177924.5 (MANE Select); coding-DNA position 1064, A replaced by G.
Protein change: p.Tyr355Cys; replaces tyrosine 355 with cysteine.
Molecular consequence: missense variant.
Genome position (GRCh38, 1-based): chr8:18,058,869, T>C on the plus strand (A>G on the coding strand, the complement: ASAH1 is on the minus strand). VCF-style: chr8-18058869-T-C. GRCh37 (hg19) VCF-style: chr8-17916378-T-C.
Other names: c.1046A>G, p.Tyr349Cys (NM_001127505.3); c.869A>G, p.Tyr290Cys (NM_001363743.2); c.1112A>G, p.Tyr371Cys (NM_004315.6); short protein forms Y371C, Y290C, Y355C, Y349C.
Identifiers: ClinVar variation 1405683 (VCV001405683.5), dbSNP rs1799574144, ClinGen allele CA370427067.
Genomic context (GRCh38, chr8:18,058,869, plus strand): 5'-AAATATACATATAACATTTAAAATACCTTGTTGAGGACAGGTTTTGTTGACAGGACATCA[T>C]ACATGGTTTCAAATGAGATATTCTAAAACACAAGAAAATAGTTTTGTTCAGTAAGTTAAA-3'
Protein context (NP_808592.2, residues 345-365): SQENISFETM[Tyr355Cys]DVLSTKPVLN

ClinVar aggregate classification (germline): Uncertain significance (1 of 4 stars; one submission).

Allele frequency attached by ClinVar (database versions not stated): gnomAD exomes below 0.00001.
gnomAD v4.1: 1 of 1,612,714 alleles (0.000062%); highest among the groups gnomAD compares: Non-Finnish European, 0.000085%; no homozygotes.

Submission:

Labcorp Genetics (formerly Invitae), Labcorp
Classification: Uncertain significance. Last evaluated: 2022-11-29. Review status: criteria provided, single submitter. Criteria: Invitae Variant Classification Sherloc (09022015). Collection method: clinical testing. Allele origin: germline.
Comment: This variant is not present in population databases (gnomAD no frequency). This sequence change replaces tyrosine, which is neutral and polar, with cysteine, which is neutral and slightly polar, at codon 355 of the ASAH1 protein (p.Tyr355Cys). This variant has not been reported in the literature in individuals affected with ASAH1-related conditions. In summary, the available evidence is currently insufficient to determine the role of this variant in disease. Therefore, it has been classified as a Variant of Uncertain Significance. Advanced modeling of protein sequence and biophysical properties (such as structural, functional, and spatial information, amino acid conservation, physicochemical variation, residue mobility, and thermodynamic stability) performed at Invitae indicates that this missense variant is expected to disrupt ASAH1 protein function. ClinVar contains an entry for this variant (Variation ID: 1405683).